The following is an entry in ClinVar:

NM_001080467.3(MYO5B):c.1906-1G>A

Gene: MYO5B (myosin VB; minus strand). Cytogenetic location: 18q21.1.
Variant type: single nucleotide variant.
Coding change: c.1906-1G>A on transcript NM_001080467.3 (MANE Select); the canonical splice acceptor site of the intron before coding-DNA position 1906, G replaced by A.
Molecular consequence: splice acceptor variant.
Genome position (GRCh38, 1-based): chr18:49,936,350, C>T on the plus strand (G>A on the coding strand, the complement: MYO5B is on the minus strand). VCF-style: chr18-49936350-C-T. GRCh37 (hg19) VCF-style: chr18-47462720-C-T.
Identifiers: ClinVar variation 3255322 (VCV003255322.1).

ClinVar aggregate classification (germline): Pathogenic (1 of 4 stars; one submission).

Conditions:
Congenital microvillous atrophy (DIAR2). Also called: CONGENITAL FAMILIAL PROTRACTED DIARRHEA WITH ENTEROCYTE BRUSH-BORDER ABNORMALITIES; DAVIDSON DISEASE; MICROVILLUS ATROPHY, CONGENITAL; Microvillus inclusion disease; Diarrhea 2 with microvillus atrophy, with or without cholestasis. Identifiers: Orphanet 2290, MedGen C0341306, MONDO:0009635, OMIM 251850.

Submission:

Aleixo Muise Laboratory, Hospital For Sick Children
Classification: Pathogenic for Congenital microvillous atrophy. Last evaluated: 2024-07-05. Review status: criteria provided, single submitter. Criteria: ACMG Guidelines, 2015. Collection method: research. Allele origin: inherited. Affected: yes. Observed: 1 variant allele.
Comment: PVS1;PM2;PM3;PM5;PP3;PP4